The following is an entry in ClinVar:

NM_173651.4(FSIP2):c.14554_14555del (p.Gln4852fs)

Gene: FSIP2 (fibrous sheath interacting protein 2; plus strand). Cytogenetic location: 2q32.1.
Variant type: Deletion.
Coding change: c.14554_14555del on transcript NM_173651.4 (MANE Select); coding-DNA positions 14554 to 14555, 2 bases deleted (CA; older notation c.14554_14555delCA).
Protein change: p.Gln4852fs; shifts the reading frame from glutamine 4852.
Molecular consequence: frameshift variant.
Genome position (GRCh38, 1-based): chr2:185,803,860-185,803,861, CA deleted; deleting any 2 consecutive bases within chr2:185,803,859-185,803,861 gives the same sequence; the c. name uses the placement nearest the transcript's 3' end. VCF-style (leftmost placement, unchanged base first): chr2-185803858-AAC-A. GRCh37 (hg19) VCF-style: chr2-186668585-AAC-A.
Other names: short protein forms Q4852fs.
Identifiers: ClinVar variation 5006172 (VCV005006172.2).

ClinVar aggregate classification (germline): Likely pathogenic (1 of 4 stars; one submission).

Conditions:
Spermatogenic failure 34. Identifiers: MedGen C4748403, MONDO:0029148, OMIM 618153.

Submission:

Juno Genomics, Hangzhou Juno Genomics, Inc
Classification: Likely pathogenic for Spermatogenic failure 34. Review status: criteria provided, single submitter. Criteria: ACMG Guidelines, 2015. Collection method: clinical testing. Allele origin: germline.
Comment: Null variant in a gene where loss of function (LOF) is a known mechanism of disease.;Absent from controls (or at extremely low frequency if recessive) in Genome Aggregation Database.